The following is an entry in ClinVar:

NM_031935.3(HMCN1):c.7699G>A (p.Val2567Ile)

Gene: HMCN1 (hemicentin 1; plus strand). Cytogenetic location: 1q31.1.
Variant type: single nucleotide variant.
Coding change: c.7699G>A on transcript NM_031935.3 (MANE Select); coding-DNA position 7699, G replaced by A.
Protein change: p.Val2567Ile; replaces valine 2567 with isoleucine.
Molecular consequence: missense variant.
Genome position (GRCh38, 1-based): chr1:186,065,423, G>A. VCF-style: chr1-186065423-G-A. GRCh37 (hg19) VCF-style: chr1-186034555-G-A.
Other names: short protein forms V2567I.
Identifiers: ClinVar variation 2880559 (VCV002880559.3), dbSNP rs780583969, ClinGen allele CA1292910.

ClinVar aggregate classification (germline): Uncertain significance (1 of 4 stars; one submission).

Allele frequency attached by ClinVar (database versions not stated): ExAC 0.00001; gnomAD exomes 0.00001.
gnomAD v4.1: 9 of 1,599,892 alleles (0.00056%); highest among the groups gnomAD compares: South Asian, 0.0045%; no homozygotes.

Submission:

Labcorp Genetics (formerly Invitae), Labcorp
Classification: Uncertain significance. Last evaluated: 2024-08-24. Review status: criteria provided, single submitter. Criteria: Invitae Variant Classification Sherloc (09022015). Collection method: clinical testing. Allele origin: germline.
Comment: This sequence change replaces valine, which is neutral and non-polar, with isoleucine, which is neutral and non-polar, at codon 2567 of the HMCN1 protein (p.Val2567Ile). This variant is present in population databases (rs780583969, gnomAD 0.003%). This variant has not been reported in the literature in individuals affected with HMCN1-related conditions. An algorithm developed to predict the effect of missense changes on protein structure and function (PolyPhen-2) suggests that this variant is likely to be disruptive. In summary, the available evidence is currently insufficient to determine the role of this variant in disease. Therefore, it has been classified as a Variant of Uncertain Significance.